The following is an entry in ClinVar:

ClinVar aggregate classification (germline): Pathogenic/Likely pathogenic. Review status: criteria provided, multiple submitters, no conflicts (2 of 4 stars). 4 submissions from 4 submitters: Pathogenic (3); Likely pathogenic (1). Last evaluated 2025-11-10.

Conditions:
Autosomal recessive nonsyndromic hearing loss 23. Identifiers: Orphanet 90636, MedGen C1836027, MONDO:0012293, OMIM 609533.
Usher syndrome type 1F (USH1F). Also called: USHER SYNDROME, TYPE IF. Identifiers: Orphanet 231169, Orphanet 886, MedGen C1865885, MONDO:0011186, OMIM 602083.

Submissions (4):

Dasa
Classification: Pathogenic. Last evaluated: 2025-11-10. Review status: criteria provided, single submitter. Criteria: DASA Assertion Criteria. Collection method: clinical testing. Allele origin: germline.
Comment: NM_001384140.1(PCDH15):c.3661C>T (p.Gln1221*) introduces a premature termination codon predicted to result in loss of normal protein function. Loss-of-function is an established mechanism of disease for this gene. This variant has been observed in affected individuals with related phenotype in a genotype context consistent with recessive disease (PMID: 31231422). This variant has been reported in individuals with related phenotype (PMID: 31231422). The variant is present at low frequency in population datasets. Based on the available data, this variant is classified as pathogenic.

Natera, Inc.
Classification: Likely pathogenic for Usher syndrome type 1F. Last evaluated: 2025-04-23. Review status: criteria provided, single submitter. Criteria: Natera Variant Classification Schema (03/2026). Collection method: clinical testing. Allele origin: germline.
Comment: The c.3661C>T variant in PCDH15 is a nonsense variant predicted to introduce a stop codon at amino acid 1221. This variant is expected to result in nonsense mediated decay, truncation, or a dysfunctional protein product. This variant is rare in the general population with a frequency below the threshold expected for the associated phenotype(s). Given the available evidence, this variant is classified as Likely Pathogenic.

Labcorp Genetics (formerly Invitae), Labcorp
Classification: Pathogenic. Last evaluated: 2024-01-13. Review status: criteria provided, single submitter. Criteria: Invitae Variant Classification Sherloc (09022015). Collection method: clinical testing. Allele origin: germline.
Comment: This sequence change creates a premature translational stop signal (p.Gln1221*) in the PCDH15 gene. It is expected to result in an absent or disrupted protein product. Loss-of-function variants in PCDH15 are known to be pathogenic (PMID: 11398101, 11487575, 14570705). This variant is not present in population databases (gnomAD no frequency). This premature translational stop signal has been observed in individual(s) with Usher syndrome (PMID: 31231422). ClinVar contains an entry for this variant (Variation ID: 650919). For these reasons, this variant has been classified as Pathogenic.

Baylor Genetics
Classification: Pathogenic for Autosomal recessive nonsyndromic hearing loss 23. Last evaluated: 2023-03-01. Review status: criteria provided, single submitter. Criteria: ACMG Guidelines, 2015. Collection method: clinical testing. Allele origin: unknown.

Literature cited by the submitters: PubMed 31231422 (cited by Dasa and Labcorp Genetics (formerly Invitae), Labcorp); PubMed 11398101 (cited by Labcorp Genetics (formerly Invitae), Labcorp); PubMed 11487575 (cited by Labcorp Genetics (formerly Invitae), Labcorp); PubMed 14570705 (cited by Labcorp Genetics (formerly Invitae), Labcorp).

NM_001384140.1(PCDH15):c.3661C>T (p.Gln1221Ter)

Gene: PCDH15 (protocadherin related 15; minus strand). Cytogenetic location: 10q21.1.
Variant type: single nucleotide variant.
Coding change: c.3661C>T on transcript NM_001384140.1 (MANE Select); coding-DNA position 3661, C replaced by T.
Protein change: p.Gln1221Ter; replaces glutamine 1221 with a stop codon.
Molecular consequence: nonsense.
Genome position (GRCh38, 1-based): chr10:53,866,698, G>A on the plus strand (C>T on the coding strand, the complement: PCDH15 is on the minus strand). VCF-style: chr10-53866698-G-A. GRCh37 (hg19) VCF-style: chr10-55626458-G-A.
Other names: c.3676C>T, p.Gln1226Ter (NM_001142763.2, NM_001142771.2); c.3661C>T, p.Gln1221Ter (NM_001142764.2, NM_001142766.2, NM_001142770.3 and 4 more transcripts); c.3448C>T, p.Gln1150Ter (NM_001142765.2); c.3550C>T, p.Gln1184Ter (NM_001142767.2); c.3595C>T, p.Gln1199Ter (NM_001142768.2, NM_001142773.2, NM_001354404.2); c.3697C>T, p.Gln1233Ter (NM_001142769.4); c.3682C>T, p.Gln1228Ter (NM_001354411.2); short protein forms Q1228*, Q1199*, Q1233*, Q1150*, Q1184*, Q1221*, Q1226*.
Identifiers: ClinVar variation 650919 (VCV000650919.12), dbSNP rs1589156388, ClinGen allele CA376516722.
Genomic context (GRCh38, chr10:53,866,698, plus strand): 5'-TTACGAGTACATCGGCTTTGCCGCTCAGTCCCTTCCCATAGTCGTCAGTTGCAATAACTT[G>A]AAACTTGAAGTAGGATCTCCTCATATTATGGAAGAGCATAGCAGTTTTGATAAGCCCTGT-3'